The following is an entry in ClinVar:

ClinVar aggregate classification (germline): Uncertain significance. Review status: criteria provided, multiple submitters, no conflicts (2 of 4 stars). 2 submissions from 2 submitters: Uncertain significance (2). Last evaluated 2025-05-29.

Conditions:
Congenital primary aphakia. Also called: ANTERIOR SEGMENT DYSGENESIS 2; Anterior segment dysgenesis 2, multiple subtypes. Identifiers: Orphanet 83461, MedGen C1853230, MONDO:0012456, OMIM 610256.
Anterior segment dysgenesis. Also called: Ocular anterior segment dysgenesis. Identifiers: Orphanet 88632, MedGen C1862839, MONDO:0019503, HP:0007700.
Cardiovascular phenotype. Identifiers: MedGen CN230736.

Allele frequency attached by ClinVar (database versions not stated): gnomAD exomes 0.00001 and 0.00004; gnomAD 0.00004; TOPMed 0.00004; ExAC 0.00005.

Submissions (2):

Labcorp Genetics (formerly Invitae), Labcorp
Classification: Uncertain significance for Anterior segment dysgenesis; Congenital primary aphakia. Last evaluated: 2025-05-29. Review status: criteria provided, single submitter. Criteria: Invitae Variant Classification Sherloc (09022015). Collection method: clinical testing. Allele origin: germline.
Comment: This sequence change replaces alanine, which is neutral and non-polar, with glycine, which is neutral and non-polar, at codon 96 of the FOXE3 protein (p.Ala96Gly). This variant is present in population databases (rs768651099, gnomAD 0.008%). This variant has not been reported in the literature in individuals affected with FOXE3-related conditions. ClinVar contains an entry for this variant (Variation ID: 837571). Invitae Evidence Modeling of protein sequence and biophysical properties (such as structural, functional, and spatial information, amino acid conservation, physicochemical variation, residue mobility, and thermodynamic stability) indicates that this missense variant is not expected to disrupt FOXE3 protein function with a negative predictive value of 95%. In summary, the available evidence is currently insufficient to determine the role of this variant in disease. Therefore, it has been classified as a Variant of Uncertain Significance.

Ambry Genetics
Classification: Uncertain significance for Cardiovascular phenotype. Last evaluated: 2023-10-05. Review status: criteria provided, single submitter. Criteria: Ambry Variant Classification Scheme 2023. Collection method: clinical testing. Allele origin: germline.
Comment: The p.A96G variant (also known as c.287C>G), located in coding exon 1 of the FOXE3 gene, results from a C to G substitution at nucleotide position 287. The alanine at codon 96 is replaced by glycine, an amino acid with similar properties. This amino acid position is conserved. In addition, this alteration is predicted to be tolerated by in silico analysis. Since supporting evidence is limited at this time, the clinical significance of this alteration remains unclear.

NM_012186.3(FOXE3):c.287C>G (p.Ala96Gly)

Genes: FOXE3 (forkhead box E3; plus strand), LINC01389 (long independently transcribed non-coding RNA 1389; minus strand). Cytogenetic location: 1p33.
Variant type: single nucleotide variant.
Coding change: c.287C>G on transcript NM_012186.3 (MANE Select); coding-DNA position 287, C replaced by G.
Protein change: p.Ala96Gly; replaces alanine 96 with glycine.
Molecular consequence: missense variant.
Genome position (GRCh38, 1-based): chr1:47,416,602, C>G. VCF-style: chr1-47416602-C-G. GRCh37 (hg19) VCF-style: chr1-47882274-C-G.
Other names: short protein forms A96G.
Identifiers: ClinVar variation 837571 (VCV000837571.12), dbSNP rs768651099, ClinGen allele CA842927.